The following is an entry in ClinVar:

NM_005189.3(CBX2):c.859G>A (p.Gly287Arg)

Gene: CBX2 (chromobox 2; plus strand). Cytogenetic location: 17q25.3.
Variant type: single nucleotide variant.
Coding change: c.859G>A on transcript NM_005189.3 (MANE Select); coding-DNA position 859, G replaced by A.
Protein change: p.Gly287Arg; replaces glycine 287 with arginine.
Molecular consequence: missense variant.
Genome position (GRCh38, 1-based): chr17:79,784,302, G>A. VCF-style: chr17-79784302-G-A. GRCh37 (hg19) VCF-style: chr17-77758101-G-A.
Other names: short protein forms G287R.
Identifiers: ClinVar variation 3485706 (VCV003485706.2).

ClinVar aggregate classification (germline): Uncertain significance. Review status: criteria provided, multiple submitters, no conflicts (2 of 4 stars). 2 submissions from 2 submitters: Uncertain significance (2). Last evaluated 2025-12-08.

Submissions (2):

Labcorp Genetics (formerly Invitae), Labcorp
Classification: Uncertain significance. Last evaluated: 2025-12-08. Review status: criteria provided, single submitter. Criteria: Invitae Variant Classification Sherloc (09022015). Collection method: clinical testing. Allele origin: germline.
Comment: This sequence change replaces glycine, which is neutral and non-polar, with arginine, which is basic and polar, at codon 287 of the CBX2 protein (p.Gly287Arg). This variant is present in population databases (rs782692258, gnomAD 0.004%). This variant has not been reported in the literature in individuals affected with CBX2-related conditions. ClinVar contains an entry for this variant (Variation ID: 3485706). Invitae Evidence Modeling of protein sequence and biophysical properties (such as structural, functional, and spatial information, amino acid conservation, physicochemical variation, residue mobility, and thermodynamic stability) has been performed for this missense variant. However, the output from this modeling did not meet the statistical confidence thresholds required to predict the impact of this variant on CBX2 protein function. In summary, the available evidence is currently insufficient to determine the role of this variant in disease. Therefore, it has been classified as a Variant of Uncertain Significance.

Ambry Genetics
Classification: Uncertain significance. Last evaluated: 2024-07-25. Review status: criteria provided, single submitter. Criteria: Ambry Variant Classification Scheme 2023. Collection method: clinical testing. Allele origin: germline.